The following is an entry in ClinVar:

ClinVar aggregate classification (germline): Uncertain significance (1 of 4 stars; one submission).

Conditions:
Familial cancer of breast. Also called: Hereditary breast cancer; hereditary breast carcinoma; BREAST CANCER, FAMILIAL. Identifiers: Orphanet 227535, MedGen C0346153, MONDO:0016419, OMIM 114480. Disease mechanism: loss of function.

Submission:

Labcorp Genetics (formerly Invitae), Labcorp
Classification: Uncertain significance for Familial cancer of breast. Last evaluated: 2020-11-15. Review status: criteria provided, single submitter. Criteria: Invitae Variant Classification Sherloc (09022015). Collection method: clinical testing. Allele origin: germline.
Comment: In summary, the available evidence is currently insufficient to determine the role of this variant in disease. Therefore, it has been classified as a Variant of Uncertain Significance. Nucleotide substitutions within the consensus splice site are a relatively common cause of aberrant splicing (PMID: 17576681, 9536098). Algorithms developed to predict the effect of sequence changes on RNA splicing suggest that this variant is not likely to affect RNA splicing, but this prediction has not been confirmed by published transcriptional studies. This variant has not been reported in the literature in individuals with CHEK2-related conditions. This variant is not present in population databases (ExAC no frequency). This sequence change falls in intron 8 of the CHEK2 gene. It does not directly change the encoded amino acid sequence of the CHEK2 protein. It affects a nucleotide within the consensus splice site of the intron.

Literature cited by the submitters: PubMed 17576681; PubMed 9536098.

NM_007194.4(CHEK2):c.909-3del

Gene: CHEK2 (checkpoint kinase 2; minus strand). Cytogenetic location: 22q12.1.
Variant type: Deletion.
Coding change: c.909-3del on transcript NM_007194.4 (MANE Select); 3 bases into the intron before coding-DNA position 909, one base deleted (C; older notation c.909-3delC).
Molecular consequence: intron variant.
Genome position (GRCh38, 1-based): chr22:28,699,940, G deleted on the plus strand (C on the coding strand, the reverse complement: CHEK2 is on the minus strand). VCF-style (leftmost placement, unchanged base first): chr22-28699939-TG-T. GRCh37 (hg19) VCF-style: chr22-29095927-TG-T.
Other names: c.246-3del (NM_001437942.1, NM_001257387.3); c.708-3del (NM_001349956.3); c.909-3del (NM_145862.3); c.1002-3del (NM_001438295.1, NM_001438293.1); c.1038-3del (NM_001438294.1, NM_001005735.3).
Identifiers: ClinVar variation 1514401 (VCV001514401.7), dbSNP rs2145845352, ClinGen allele CA2573158030.